The following is an entry in ClinVar:

NM_024580.6(EFL1):c.1549C>T (p.Arg517Ter)

Gene: EFL1 (elongation factor like GTPase 1; minus strand). Cytogenetic location: 15q25.2.
Variant type: single nucleotide variant.
Coding change: c.1549C>T on transcript NM_024580.6 (MANE Select); coding-DNA position 1549, C replaced by T.
Protein change: p.Arg517Ter; replaces arginine 517 with a stop codon.
Molecular consequence: nonsense. On other transcripts: non-coding transcript variant (1).
Genome position (GRCh38, 1-based): chr15:82,219,714, G>A on the plus strand (C>T on the coding strand, the complement: EFL1 is on the minus strand). VCF-style: chr15-82219714-G-A. GRCh37 (hg19) VCF-style: chr15-82512055-G-A.
Other names: c.1396C>T, p.Arg466Ter (NM_001040610.3); c.760C>T, p.Arg254Ter (NM_001322844.2); c.1549C>T, p.Arg517Ter (NM_001322845.2); short protein forms R466*, R517*, R254*.
Identifiers: ClinVar variation 1416015 (VCV001416015.6), dbSNP rs778052179, ClinGen allele CA7697949.
Genomic context (GRCh38, chr15:82,219,714, plus strand): 5'-TTCGTAAAAACTCAAGAGGACTGTATTTGGGCCCCAAGACAAAAATTTTCTTTCCTCTTC[G>A]AGCCACACCACTGAACACCCGAGCAAATGCAATAAAAGACTCTTGGTTGTTTTCTTCCTG-3'

ClinVar aggregate classification (germline): Uncertain significance (1 of 4 stars; one submission).

Allele frequency attached by ClinVar (database versions not stated): gnomAD 0.00001; TOPMed 0.00001; gnomAD exomes 0.00002; ExAC 0.00003.
gnomAD v4.1: 37 of 1,613,500 alleles (0.0023%); highest among the groups gnomAD compares: African/African-American, 0.0053%; no homozygotes.

Submission:

Labcorp Genetics (formerly Invitae), Labcorp
Classification: Uncertain significance. Last evaluated: 2022-04-08. Review status: criteria provided, single submitter. Criteria: Invitae Variant Classification Sherloc (09022015). Collection method: clinical testing. Allele origin: germline.
Comment: In summary, the available evidence is currently insufficient to determine the role of this variant in disease. Therefore, it has been classified as a Variant of Uncertain Significance. This variant has not been reported in the literature in individuals affected with EFL1-related conditions. This variant is present in population databases (rs778052179, gnomAD 0.01%). This sequence change creates a premature translational stop signal (p.Arg517*) in the EFL1 gene. It is expected to result in an absent or disrupted protein product. However, the current clinical and genetic evidence is not sufficient to establish whether loss-of-function variants in EFL1 cause disease.